The following is an entry in ClinVar:

ClinVar aggregate classification (germline): Uncertain significance (1 of 4 stars; one submission).

Conditions:
Epilepsy, familial focal, with variable foci 3 (FFEVF3). Identifiers: MedGen C4310708, MONDO:0014925, OMIM 617118.

Submission:

Labcorp Genetics (formerly Invitae), Labcorp
Classification: Uncertain significance for Epilepsy, familial focal, with variable foci 3. Last evaluated: 2021-09-03. Review status: criteria provided, single submitter. Criteria: Invitae Variant Classification Sherloc (09022015). Collection method: clinical testing. Allele origin: germline.
Comment: This sequence change falls in intron 3 of the NPRL3 gene. It does not directly change the encoded amino acid sequence of the NPRL3 protein. It affects a nucleotide within the consensus splice site of the intron. This variant is not present in population databases (ExAC no frequency). This variant has not been reported in the literature in individuals affected with NPRL3-related conditions. Variants that disrupt the consensus splice site are a relatively common cause of aberrant splicing (PMID: 17576681, 9536098). Experimental studies and prediction algorithms are not available or were not evaluated, and the effect of this variant on mRNA splicing is currently unknown. In summary, the available evidence is currently insufficient to determine the role of this variant in disease. Therefore, it has been classified as a Variant of Uncertain Significance.

Literature cited by the submitters: PubMed 17576681; PubMed 9536098.

NM_001077350.3(NPRL3):c.189-3A>G

Genes: HBA-LCR (alpha-globin locus control region; plus strand), NPRL3 (NPR3 like, GATOR1 complex subunit; minus strand). Cytogenetic location: 16p13.3.
Variant type: single nucleotide variant.
Coding change: c.189-3A>G on transcript NM_001077350.3 (MANE Select); 3 bases into the intron before coding-DNA position 189, A replaced by G.
Molecular consequence: intron variant.
Genome position (GRCh38, 1-based): chr16:119,258, T>C on the plus strand (A>G on the coding strand, the complement: NPRL3 is on the minus strand). VCF-style: chr16-119258-T-C. GRCh37 (hg19) VCF-style: chr16-169257-T-C.
Other names: c.-46-3A>G (NM_001243247.2); c.189-3A>G (NM_001243248.2, NM_001243249.2); c.-144-6483A>G (NM_001039476.3).
Identifiers: ClinVar variation 1379469 (VCV001379469.6), dbSNP rs1900184532, ClinGen allele CA2573151692.